The following is an entry in ClinVar:

NM_032242.4(PLXNA1):c.4164T>C (p.Asn1388=)

Gene: PLXNA1 (plexin A1; plus strand). Cytogenetic location: 3q21.3.
Variant type: single nucleotide variant.
Coding change: c.4164T>C on transcript NM_032242.4 (MANE Select); coding-DNA position 4164, T replaced by C.
Protein change: p.Asn1388=; no amino-acid change (asparagine 1388 retained).
Molecular consequence: synonymous variant.
Genome position (GRCh38, 1-based): chr3:127,022,210, T>C. VCF-style: chr3-127022210-T-C. GRCh37 (hg19) VCF-style: chr3-126741053-T-C.
Identifiers: ClinVar variation 3357205 (VCV003357205.1).

ClinVar aggregate classification (germline): Likely benign (0 of 4 stars; one submission).

Conditions:
PLXNA1-related disorder. Also called: PLXNA1-related condition.

gnomAD v4.1: 12 of 1,613,316 alleles (0.00074%); highest among the groups gnomAD compares: African/African-American, 0.0013%; no homozygotes.

Submission:

PreventionGenetics, part of Exact Sciences
Classification: Likely benign for PLXNA1-related condition. Last evaluated: 2022-01-24. Review status: no assertion criteria provided. Collection method: clinical testing. Allele origin: germline.
Comment: This variant is classified as likely benign based on ACMG/AMP sequence variant interpretation guidelines (Richards et al. 2015 PMID: 25741868, with internal and published modifications).